The following is an entry in ClinVar:

ClinVar aggregate classification (germline): Pathogenic. Review status: criteria provided, multiple submitters, no conflicts (2 of 4 stars). 3 submissions from 3 submitters: Pathogenic (3). Last evaluated 2025-10-28.

Conditions:
Familial thoracic aortic aneurysm and aortic dissection (TAAD). Also called: Thoracic aortic aneurysms and dissections. Identifiers: Orphanet 91387, MedGen C4707243, MONDO:0019625.
Marfan syndrome (MFS). Also called: MARFAN SYNDROME, TYPE I; Marfan syndrome type 1; Marfan's syndrome; Marfan syndrome, classic; FBN1-Related Marfan Syndrome. Identifiers: Orphanet 284963, Orphanet 558, MedGen C0024796, MONDO:0007947, OMIM 154700.

Submissions (3):

Institute of Medical Genetics and Applied Genomics, University Hospital Tübingen
Classification: Pathogenic for Marfan syndrome. Last evaluated: 2025-10-28. Review status: criteria provided, single submitter. Criteria: ACMG Guidelines, 2015. Collection method: clinical testing. Allele origin: de novo. Inheritance: Autosomal dominant inheritance. Affected: yes.

3billion
Classification: Pathogenic for Marfan syndrome. Last evaluated: 2024-07-31. Review status: criteria provided, single submitter. Criteria: ACMG Guidelines, 2015. Collection method: clinical testing. Allele origin: germline. Affected: yes.
Comment: The variant is not observed in the gnomAD v4.0.0 dataset. Predicted Consequence/Location: Canonical splice site: predicted to alter splicing and result in a loss or disruption of normal protein function. Multiple pathogenic loss-of-function variants are reported downstream of the variant. In silico tools predict the variant to alter splicing and produce an abnormal transcript [SpliceAI: 1.00 (spliceogenicity >=0.2, non-spliceogenicity <0.1)]. The variant has been reported to be associated with FBN1 related disorder (ClinVar ID: VCV002137678 /PMID: 25652356). Therefore, this variant is classified as Pathogenic according to the recommendation of ACMG/AMP guideline.

Labcorp Genetics (formerly Invitae), Labcorp
Classification: Pathogenic for Marfan syndrome; Familial thoracic aortic aneurysm and aortic dissection. Last evaluated: 2024-03-16. Review status: criteria provided, single submitter. Criteria: Invitae Variant Classification Sherloc (09022015). Collection method: clinical testing. Allele origin: germline.
Comment: This sequence change affects a donor splice site in intron 55 of the FBN1 gene. It is expected to disrupt RNA splicing. Variants that disrupt the donor or acceptor splice site typically lead to a loss of protein function (PMID: 16199547), and loss-of-function variants in FBN1 are known to be pathogenic (PMID: 17657824, 19293843). This variant is not present in population databases (gnomAD no frequency). Disruption of this splice site has been observed in individuals with clinical features of Marfan syndrome or thoracic aortic aneurysm and dissection (PMID: 17657824, 25652356, 27611364, 28973303). ClinVar contains an entry for this variant (Variation ID: 2137678). Algorithms developed to predict the effect of sequence changes on RNA splicing suggest that this variant may disrupt the consensus splice site. For these reasons, this variant has been classified as Pathogenic.

Literature cited by the submitters: PubMed 25652356 (cited by 3billion and Labcorp Genetics (formerly Invitae), Labcorp); PubMed 16199547 (cited by Labcorp Genetics (formerly Invitae), Labcorp); PubMed 17657824 (cited by Labcorp Genetics (formerly Invitae), Labcorp); PubMed 19293843 (cited by Labcorp Genetics (formerly Invitae), Labcorp); PubMed 27611364 (cited by Labcorp Genetics (formerly Invitae), Labcorp); PubMed 28973303 (cited by Labcorp Genetics (formerly Invitae), Labcorp).

NM_000138.5(FBN1):c.6739+1G>T

Gene: FBN1 (fibrillin 1; minus strand). Cytogenetic location: 15q21.1.
Variant type: single nucleotide variant.
Coding change: c.6739+1G>T on transcript NM_000138.5 (MANE Select); the canonical splice donor site of the intron after coding-DNA position 6739, G replaced by T.
Molecular consequence: splice donor variant.
Genome position (GRCh38, 1-based): chr15:48,432,865, C>A on the plus strand (G>T on the coding strand, the complement: FBN1 is on the minus strand). VCF-style: chr15-48432865-C-A. GRCh37 (hg19) VCF-style: chr15-48725062-C-A.
Other names: c.6739+1G>T (NM_001406716.1).
Identifiers: ClinVar variation 2137678 (VCV002137678.6), dbSNP rs869025419, ClinGen allele CA392333151.